The following is an entry in ClinVar:

ClinVar aggregate classification (germline): Benign (0 of 4 stars; one submission).

Conditions:
ATAD5-related disorder. Also called: ATAD5-related condition.

Allele frequency attached by ClinVar (database versions not stated): gnomAD exomes 0.00129; ExAC 0.00206; 1000 Genomes Project 0.00539; gnomAD 0.00549; 1000 Genomes Project 30x 0.00562; ESP Exome Variant Server 0.00577; TOPMed 0.00659.
gnomAD v4.1: 2,818 of 1,595,338 alleles (0.18%); highest among the groups gnomAD compares: African/African-American, 1.5%; 10 homozygotes.

Submissions (8):

PreventionGenetics, part of Exact Sciences
Classification: Benign for ATAD5-related condition. Last evaluated: 2019-03-04. Review status: no assertion criteria provided. Collection method: clinical testing. Allele origin: germline.
Comment: This variant is classified as benign based on ACMG/AMP sequence variant interpretation guidelines (Richards et al. 2015 PMID: 25741868, with internal and published modifications).

Dr. Peter K. Rogan Lab, Western University
No classification provided (evidence only). Condition: Lung cancer. Review status: no classification provided. Collection method: in vitro. Allele origin: not applicable. Functional consequence: retained intron. Not counted in ClinVar's aggregate classification.

Dr. Peter K. Rogan Lab, Western University
No classification provided (evidence only). Condition: Acute myeloid leukemia. Review status: no classification provided. Collection method: in vitro. Allele origin: not applicable. Functional consequence: retained intron. Not counted in ClinVar's aggregate classification.

Dr. Peter K. Rogan Lab, Western University
No classification provided (evidence only). Condition: Acute myeloid leukemia. Review status: no classification provided. Collection method: in vitro. Allele origin: not applicable. Functional consequence: retained intron. Not counted in ClinVar's aggregate classification.

Dr. Peter K. Rogan Lab, Western University
No classification provided (evidence only). Condition: Sarcoma. Review status: no classification provided. Collection method: in vitro. Allele origin: not applicable. Functional consequence: retained intron. Not counted in ClinVar's aggregate classification.

Dr. Peter K. Rogan Lab, Western University
No classification provided (evidence only). Condition: Ovarian serous cystadenocarcinoma. Review status: no classification provided. Collection method: in vitro. Allele origin: not applicable. Functional consequence: retained intron. Not counted in ClinVar's aggregate classification.

Dr. Peter K. Rogan Lab, Western University
No classification provided (evidence only). Condition: Gastric cancer. Review status: no classification provided. Collection method: in vitro. Allele origin: not applicable. Functional consequence: cryptic splice site, retained intron. Not counted in ClinVar's aggregate classification.

Dr. Peter K. Rogan Lab, Western University
No classification provided (evidence only). Condition: Gastric cancer. Review status: no classification provided. Collection method: in vitro. Allele origin: not applicable. Functional consequence: cryptic splice site, retained intron. Not counted in ClinVar's aggregate classification.

NM_024857.5(ATAD5):c.5300A>G (p.Asn1767Ser)

Gene: ATAD5 (ATPase family AAA domain containing 5; plus strand). Cytogenetic location: 17q11.2.
Variant type: single nucleotide variant.
Coding change: c.5300A>G on transcript NM_024857.5 (MANE Select); coding-DNA position 5300, A replaced by G.
Protein change: p.Asn1767Ser; replaces asparagine 1767 with serine.
Molecular consequence: missense variant.
Genome position (GRCh38, 1-based): chr17:30,894,566, A>G. VCF-style: chr17-30894566-A-G. GRCh37 (hg19) VCF-style: chr17-29221584-A-G.
Other names: NC_000017.10:g.29221584A>G; short protein forms N1767S.
Identifiers: ClinVar variation 3038991 (VCV003038991.3), dbSNP rs114345202, ClinGen allele CA8484442.
Genomic context (GRCh38, chr17:30,894,566, plus strand): 5'-GGGATTACTGCATTTTTCTTGGGCATTAAAAATTAAAAACAATGCATTACTTTTACAGCA[A>G]TGCTTGGAAGAGGATATCAGTCATTAAAAGTGTATTTTCGAGTCGATCTCTTCTCTATGT-3'
Protein context (NP_079133.3, residues 1757-1777): YFSQSAANLD[Asn1767Ser]AWKRISVIKS